The following is an entry in ClinVar:

ClinVar aggregate classification (germline): Uncertain significance (1 of 4 stars; one submission).

Conditions:
Familial episodic pain syndrome with predominantly lower limb involvement. Also called: Episodic pain syndrome, familial, 3. Identifiers: Orphanet 391384, Orphanet 391392, MedGen C3809899, MONDO:0014247, OMIM 615552.
Hereditary sensory and autonomic neuropathy type 7. Also called: Neuropathy, hereditary sensory and autonomic, type VII; HSAN VII. Identifiers: Orphanet 391397, MedGen C3809882, MONDO:0014244, OMIM 615548.

Submission:

Labcorp Genetics (formerly Invitae), Labcorp
Classification: Uncertain significance for Familial episodic pain syndrome with predominantly lower limb involvement; Hereditary sensory and autonomic neuropathy type 7. Last evaluated: 2025-07-13. Review status: criteria provided, single submitter. Criteria: Invitae Variant Classification Sherloc (09022015). Collection method: clinical testing. Allele origin: germline.
Comment: This sequence change creates a premature translational stop signal (p.Arg673Glufs*8) in the SCN11A gene. It is expected to result in an absent or disrupted protein product. However, the current clinical and genetic evidence is not sufficient to establish whether loss-of-function variants in SCN11A cause disease. This variant is not present in population databases (gnomAD no frequency). This variant has not been reported in the literature in individuals affected with SCN11A-related conditions. In summary, the available evidence is currently insufficient to determine the role of this variant in disease. Therefore, it has been classified as a Variant of Uncertain Significance.

NM_001349253.2(SCN11A):c.2017del (p.Arg673fs)

Gene: SCN11A (sodium voltage-gated channel alpha subunit 11; minus strand). Cytogenetic location: 3p22.2.
Variant type: Deletion.
Coding change: c.2017del on transcript NM_001349253.2 (MANE Select); coding-DNA position 2017, one base deleted (A; older notation c.2017delA).
Protein change: p.Arg673fs; shifts the reading frame from arginine 673.
Molecular consequence: frameshift variant.
Genome position (GRCh38, 1-based): chr3:38,899,899, T deleted on the plus strand (A on the coding strand, the reverse complement: SCN11A is on the minus strand). VCF-style (leftmost placement, unchanged base first): chr3-38899898-CT-C. GRCh37 (hg19) VCF-style: chr3-38941389-CT-C.
Other names: c.2017del, p.Arg673fs (NM_014139.3); short protein forms R673fs.
Identifiers: ClinVar variation 4785548 (VCV004785548.1).